The following is an entry in ClinVar:

ClinVar aggregate classification (germline): Pathogenic/Likely pathogenic. Review status: criteria provided, multiple submitters, no conflicts (2 of 4 stars). 4 submissions from 4 submitters: Pathogenic (1); Likely pathogenic (3). Last evaluated 2025-05-13.

Conditions:
Leber congenital amaurosis 5 (LCA5). Also called: Amaurosis congenita of Leber, type 5. Identifiers: Orphanet 65, MedGen C1858301, MONDO:0011473, OMIM 604537.
LCA5-related disorder. Also called: LCA5-related condition.

Submissions (4):

GeneDx
Classification: Likely pathogenic. Last evaluated: 2025-05-13. Review status: criteria provided, single submitter. Criteria: GeneDx Variant Classification Process June 2021. Collection method: clinical testing. Allele origin: germline. Affected: yes.
Comment: Not observed at significant frequency in large population cohorts (gnomAD); Frameshift variant predicted to result in abnormal protein length as the last 273 amino acids are replaced with 18 different amino acids, and other similar variants have been reported in HGMD; This variant is associated with the following publications: (PMID: 31964843)

Fulgent Genetics
Classification: Likely pathogenic for Leber congenital amaurosis 5. Last evaluated: 2024-03-30. Review status: criteria provided, single submitter. Criteria: ACMG Guidelines, 2015. Collection method: clinical testing. Allele origin: germline.

Blueprint Genetics
Classification: Likely pathogenic for LCA5-related disorders. Last evaluated: 2024-03-13. Review status: criteria provided, single submitter. Criteria: ACMG Guidelines, 2015. Collection method: clinical testing. Allele origin: germline. Affected: yes. Observed: 2 variant alleles.

Labcorp Genetics (formerly Invitae), Labcorp
Classification: Pathogenic. Last evaluated: 2023-12-26. Review status: criteria provided, single submitter. Criteria: Invitae Variant Classification Sherloc (09022015). Collection method: clinical testing. Allele origin: germline.
Comment: This sequence change creates a premature translational stop signal (p.Ala425Hisfs*19) in the LCA5 gene. While this is not anticipated to result in nonsense mediated decay, it is expected to disrupt the last 273 amino acid(s) of the LCA5 protein. This variant is present in population databases (no rsID available, gnomAD 0.01%). This variant has not been reported in the literature in individuals affected with LCA5-related conditions. ClinVar contains an entry for this variant (Variation ID: 1071921). This variant disrupts a region of the LCA5 protein in which other variant(s) (p.Lys586*) have been determined to be pathogenic (PMID: 23946133, 27624628). This suggests that this is a clinically significant region of the protein, and that variants that disrupt it are likely to be disease-causing. For these reasons, this variant has been classified as Pathogenic.

Literature cited by the submitters: PubMed 23946133 (cited by Labcorp Genetics (formerly Invitae), Labcorp); PubMed 27624628 (cited by Labcorp Genetics (formerly Invitae), Labcorp).

NM_001122769.3(LCA5):c.1273del (p.Ala425fs)

Gene: LCA5 (lebercilin LCA5; minus strand). Cytogenetic location: 6q14.1.
Variant type: Deletion.
Coding change: c.1273del on transcript NM_001122769.3 (MANE Select); coding-DNA position 1273, one base deleted (G; older notation c.1273delG).
Protein change: p.Ala425fs; shifts the reading frame from alanine 425.
Molecular consequence: frameshift variant.
Genome position (GRCh38, 1-based): chr6:79,487,825, C deleted on the plus strand (G on the coding strand, the reverse complement: LCA5 is on the minus strand); the first of 2 consecutive C bases (chr6:79,487,825-79,487,826); deleting either gives the same sequence. VCF-style (leftmost placement, unchanged base first): chr6-79487824-GC-G. GRCh37 (hg19) VCF-style: chr6-80197541-GC-G.
Other names: c.1273del (NM_181714.3); c.1273del, p.Ala425fs (NM_181714.4); short protein forms A425fs.
Identifiers: ClinVar variation 1071921 (VCV001071921.12), dbSNP rs1414684440, ClinGen allele CA568599237.